The following is an entry in ClinVar:

ClinVar aggregate classification (germline): Uncertain significance (1 of 4 stars; one submission).

Conditions:
Progressive familial heart block type IB (PFHB1B). Identifiers: Orphanet 871, MedGen C1970298, MONDO:0011474, OMIM 604559.

Allele frequency attached by ClinVar (database versions not stated): ExAC 0.00002.
gnomAD v4.1: 5 of 1,614,232 alleles (0.00031%); highest among the groups gnomAD compares: Non-Finnish European, 0.00042%; no homozygotes.

Submission:

Labcorp Genetics (formerly Invitae), Labcorp
Classification: Uncertain significance for Progressive familial heart block type IB. Last evaluated: 2024-06-25. Review status: criteria provided, single submitter. Criteria: Invitae Variant Classification Sherloc (09022015). Collection method: clinical testing. Allele origin: germline.
Comment: This sequence change replaces alanine, which is neutral and non-polar, with valine, which is neutral and non-polar, at codon 692 of the TRPM4 protein (p.Ala692Val). This variant is present in population databases (rs755095888, gnomAD 0.002%). This variant has not been reported in the literature in individuals affected with TRPM4-related conditions. An algorithm developed to predict the effect of missense changes on protein structure and function (PolyPhen-2) suggests that this variant is likely to be tolerated. In summary, the available evidence is currently insufficient to determine the role of this variant in disease. Therefore, it has been classified as a Variant of Uncertain Significance.

NM_017636.4(TRPM4):c.2075C>T (p.Ala692Val)

Gene: TRPM4 (transient receptor potential cation channel subfamily M member 4; plus strand). Cytogenetic location: 19q13.33.
Variant type: single nucleotide variant.
Coding change: c.2075C>T on transcript NM_017636.4 (MANE Select); coding-DNA position 2075, C replaced by T.
Protein change: p.Ala692Val; replaces alanine 692 with valine.
Molecular consequence: missense variant.
Genome position (GRCh38, 1-based): chr19:49,190,263, C>T. VCF-style: chr19-49190263-C-T. GRCh37 (hg19) VCF-style: chr19-49693520-C-T.
Other names: c.2075C>T, p.Ala692Val (NM_001195227.2); c.1730C>T, p.Ala577Val (NM_001321281.2); c.467C>T, p.Ala156Val (NM_001321282.2); c.1553C>T, p.Ala518Val (NM_001321283.2); c.1013C>T, p.Ala338Val (NM_001321285.2); short protein forms A338V, A518V, A156V, A577V, A692V.
Identifiers: ClinVar variation 2720914 (VCV002720914.3), dbSNP rs755095888, ClinGen allele CA9569427.